The following is an entry in ClinVar:

ClinVar aggregate classification (germline): Uncertain significance. Review status: criteria provided, multiple submitters, no conflicts (2 of 4 stars). 2 submissions from 2 submitters: Uncertain significance (2). Last evaluated 2022-10-02.

Conditions:
Hereditary cancer-predisposing syndrome. Also called: Neoplastic Syndromes, Hereditary; Tumor predisposition; Hereditary Cancer Syndrome; Hereditary neoplastic syndrome. Identifiers: Orphanet 140162, MedGen C0027672, MeSH D009386, MONDO:0015356.

Allele frequency attached by ClinVar (database versions not stated): gnomAD exomes below 0.00001.
gnomAD v4.1: 1 of 1,613,902 alleles (0.000062%); highest among the groups gnomAD compares: Non-Finnish European, 0.000085%; no homozygotes.

Submissions (2):

Ambry Genetics
Classification: Uncertain significance for Hereditary cancer-predisposing syndrome. Last evaluated: 2022-10-02. Review status: criteria provided, single submitter. Criteria: Ambry Variant Classification Scheme 2023. Collection method: clinical testing. Allele origin: germline.
Comment: The p.Y2269H variant (also known as c.6805T>C), located in coding exon 49 of the POLE gene, results from a T to C substitution at nucleotide position 6805. The tyrosine at codon 2269 is replaced by histidine, an amino acid with similar properties. This amino acid position is conserved. In addition, this alteration is predicted to be tolerated by in silico analysis. Since supporting evidence is limited at this time, the clinical significance of this alteration remains unclear.

Labcorp Genetics (formerly Invitae), Labcorp
Classification: Uncertain significance. Last evaluated: 2022-05-24. Review status: criteria provided, single submitter. Criteria: Invitae Variant Classification Sherloc (09022015). Collection method: clinical testing. Allele origin: germline.
Comment: This sequence change replaces tyrosine, which is neutral and polar, with histidine, which is basic and polar, at codon 2269 of the POLE protein (p.Tyr2269His). In summary, the available evidence is currently insufficient to determine the role of this variant in disease. Therefore, it has been classified as a Variant of Uncertain Significance. Algorithms developed to predict the effect of missense changes on protein structure and function (SIFT, PolyPhen-2, Align-GVGD) all suggest that this variant is likely to be tolerated. This variant has not been reported in the literature in individuals affected with POLE-related conditions. This variant is not present in population databases (gnomAD no frequency).

NM_006231.4(POLE):c.6805T>C (p.Tyr2269His)

Gene: POLE (DNA polymerase epsilon, catalytic subunit; minus strand). Cytogenetic location: 12q24.33.
Variant type: single nucleotide variant.
Coding change: c.6805T>C on transcript NM_006231.4 (MANE Select); coding-DNA position 6805, T replaced by C.
Protein change: p.Tyr2269His; replaces tyrosine 2269 with histidine.
Molecular consequence: missense variant.
Genome position (GRCh38, 1-based): chr12:132,624,753, A>G on the plus strand (T>C on the coding strand, the complement: POLE is on the minus strand). VCF-style: chr12-132624753-A-G. GRCh37 (hg19) VCF-style: chr12-133201339-A-G.
Other names: short protein forms Y2269H.
Identifiers: ClinVar variation 1755541 (VCV001755541.7), dbSNP rs2541831996, ClinGen allele CA387365731.
Genomic context (GRCh38, chr12:132,624,753, plus strand): 5'-CTGGCTAATGGCCCAGCTGTGGGTTCTTCTGCAGCAGCCACTCCAGGGTCTCCAGGAGGT[A>G]CGACATGCCGTAGTGCTGGGCAATGTTCCGGAATATTCCGATCTGTTCCATGAAGACCTG-3'
Protein context (NP_006222.2, residues 2259-2279): RNIAQHYGMS[Tyr2269His]LLETLEWLLQ